The following is an entry in ClinVar:

NM_000531.6(OTC):c.562_563del (p.Gly188fs)

Gene: OTC (ornithine transcarbamylase; plus strand). Cytogenetic location: Xp11.4.
Variant type: Deletion.
Coding change: c.562_563del on transcript NM_000531.6 (MANE Select); coding-DNA positions 562 to 563, 2 bases deleted (GG; older notation c.562_563delGG).
Protein change: p.Gly188fs; shifts the reading frame from glycine 188.
Molecular consequence: frameshift variant.
Genome position (GRCh38, 1-based): chrX:38,403,639-38,403,640, GG deleted. VCF-style (leftmost placement, unchanged base first): chrX-38403638-AGG-A. GRCh37 (hg19) VCF-style: chrX-38262891-AGG-A.
Other names: short protein forms G188fs.
Identifiers: ClinVar variation 203870 (VCV000203870.1), dbSNP rs796052016, ClinGen allele CA312803.

ClinVar aggregate classification (germline): Pathogenic (1 of 4 stars; one submission).

Submission:

GeneDx
Classification: Pathogenic. Last evaluated: 2014-08-29. Review status: criteria provided, single submitter. Criteria: GeneDx Variant Classification (06012015). Collection method: clinical testing. Allele origin: germline. Affected: yes.
Comment: The c.562_563delGG mutation in the OTC gene has been reported previously in association with OTC deficiency (Shchelochkov et al., 2009). The deletion causes a frameshift starting with codon Glycine 188, changes this amino acid to a Serine residue and creates a premature Stop codon at position 36 of the new reading frame, denoted p.Gly188SerfsX36. This mutation is predicted to cause loss of normal protein function either through protein truncation or nonsense-mediated mRNA decay. The variant is found in OTC panel(s).